The following is an entry in ClinVar:

NM_014391.3(ANKRD1):c.553-101A>G

Gene: ANKRD1 (ankyrin repeat domain 1; minus strand). Cytogenetic location: 10q23.31.
Variant type: single nucleotide variant.
Coding change: c.553-101A>G on transcript NM_014391.3 (MANE Select); 101 bases into the intron before coding-DNA position 553, A replaced by G.
Molecular consequence: intron variant.
Genome position (GRCh38, 1-based): chr10:90,916,370, T>C on the plus strand (A>G on the coding strand, the complement: ANKRD1 is on the minus strand). VCF-style: chr10-90916370-T-C. GRCh37 (hg19) VCF-style: chr10-92676127-T-C.
Identifiers: ClinVar variation 672448 (VCV000672448.2), dbSNP rs4933200, ClinGen allele CA15642885.

ClinVar aggregate classification (germline): Benign. Review status: criteria provided, multiple submitters, no conflicts (2 of 4 stars). 2 submissions from 2 submitters: Benign (2). Last evaluated 2018-06-14.

Allele frequency attached by ClinVar (database versions not stated): gnomAD exomes 0.15471; gnomAD 0.20761 and 0.20781; TOPMed 0.22408; 1000 Genomes Project 0.26078; 1000 Genomes Project 30x 0.26280.
gnomAD v4.1: 138,538 of 841,694 alleles (16%); highest among the groups gnomAD compares: African/African-American, 36%; 14,370 homozygotes.

Submissions (2):

GeneDx
Classification: Benign. Last evaluated: 2018-06-14. Review status: criteria provided, single submitter. Criteria: GeneDx Variant Classification (06012015). Collection method: clinical testing. Allele origin: germline. Affected: yes.
Comment: This variant is considered likely benign or benign based on one or more of the following criteria: it is a conservative change, it occurs at a poorly conserved position in the protein, it is predicted to be benign by multiple in silico algorithms, and/or has population frequency not consistent with disease.

Breakthrough Genomics
Classification: Benign. Review status: criteria provided, single submitter. Criteria: ACMG Guidelines, 2015. Collection method: not provided. Allele origin: germline. Inheritance: Unknown mechanism. Affected: yes.